The following is an entry in ClinVar:

ClinVar aggregate classification (germline): Pathogenic. Review status: criteria provided, single submitter (1 of 4 stars). 2 submissions from 1 submitter: Pathogenic (2). Last evaluated 2022-08-04.

Conditions:
Ocular cystinosis. Also called: Non-Nephropathic Cystinosis; Non-Nephropathic (Ocular) Cystinosis. Identifiers: Orphanet 213, Orphanet 411641, MedGen C2931013, MONDO:0009064, OMIM 219750.
Juvenile nephropathic cystinosis. Also called: Intermediate Cystinosis; CYSTINOSIS, LATE-ONSET JUVENILE OR ADOLESCENT NEPHROPATHIC TYPE; Later-Onset (Juvenile) Cystinosis. Identifiers: Orphanet 213, Orphanet 411634, MedGen C0268626, MONDO:0009066, OMIM 219900.
Nephropathic cystinosis (CTNS). Also called: CYSTINOSIN, DEFECT OF; LYSOSOMAL CYSTINE TRANSPORT PROTEIN, DEFECT OF; Abderhalden Lignac Kaufmann disease; Abderhalden-Kaufmann-Lignac syndrome. Identifiers: Orphanet 213, Orphanet 411629, MedGen C2931187, MONDO:0100151, OMIM 219800.
Inborn genetic diseases. Identifiers: MedGen C0950123, MeSH D030342.

Submissions (2):

Labcorp Genetics (formerly Invitae), Labcorp
Classification: Pathogenic for Inborn genetic diseases; Ocular cystinosis; Juvenile nephropathic cystinosis. Last evaluated: 2022-08-04. Review status: criteria provided, single submitter. Criteria: Invitae Variant Classification Sherloc (09022015). Collection method: clinical testing. Allele origin: germline.
Comment: This variant is a gross deletion of the genomic region encompassing exon(s) 4-5 of the CTNS gene. This deletion is out-of-frame, and is expected to create a premature termination codon and result in an absent or disrupted protein product. Loss-of-function variants in CTNS are known to be pathogenic (PMID: 9537412, 27102039). A similar copy number variant has been observed in individual(s) with renal Fanconi syndrome (PMID: 31672123). For these reasons, this variant has been classified as Pathogenic.

Labcorp Genetics (formerly Invitae), Labcorp
Classification: Pathogenic for Nephropathic cystinosis; Ocular cystinosis; Juvenile nephropathic cystinosis. Last evaluated: 2018-09-05. Review status: criteria provided, single submitter. Criteria: Invitae Variant Classification Sherloc (09022015). Collection method: clinical testing. Allele origin: germline.
Comment: This variant is an out-of-frame deletion of the genomic region encompassing exons 4 to 5 of the CTNS gene. This is expected to create a premature translational stop signal and result in an absent or disrupted protein product. This variant has not been reported in the literature in individuals with CTNS-related disease. Loss-of-function variants in CTNS are known to be pathogenic (PMID: 9537412, 27102039). For these reasons, this variant has been classified as Pathogenic.

Literature cited by the submitters: PubMed 9537412; PubMed 27102039; PubMed 31672123.

NC_000017.11:g.(?_3647434)_(3648941_?)del

Gene: CTNS (cystinosin, lysosomal cystine transporter; plus strand). Cytogenetic location: 17p13.2.
Variant type: Deletion.
Identifiers: ClinVar variation 658450 (VCV000658450.4).